The following is an entry in ClinVar:

ClinVar aggregate classification (germline): Uncertain significance (1 of 4 stars; one submission).

Conditions:
PCNT-related disorder. Also called: PCNT-related condition.

Submission:

PreventionGenetics, part of Exact Sciences
Classification: Uncertain significance for PCNT-related condition. Last evaluated: 2026-08-04. Review status: criteria provided, single submitter. Criteria: ACMG Guidelines, 2015. Collection method: clinical testing. Allele origin: germline.
Comment: The PCNT c.8785C>T variant is predicted to result in the amino acid substitution p.His2929Tyr. To our knowledge, this variant has not been reported in the literature or in a large population database (gnomAD), indicating this variant is rare. At this time, the clinical significance of this variant is uncertain due to the absence of conclusive functional and genetic evidence.

NM_006031.6(PCNT):c.8785C>T (p.His2929Tyr)

Gene: PCNT (pericentrin; plus strand). Cytogenetic location: 21q22.3.
Variant type: single nucleotide variant.
Coding change: c.8785C>T on transcript NM_006031.6 (MANE Select); coding-DNA position 8785, C replaced by T.
Protein change: p.His2929Tyr; replaces histidine 2929 with tyrosine.
Molecular consequence: missense variant.
Genome position (GRCh38, 1-based): chr21:46,435,937, C>T. VCF-style: chr21-46435937-C-T. GRCh37 (hg19) VCF-style: chr21-47855850-C-T.
Other names: c.8194C>T, p.His2732Tyr (NM_001315529.2); short protein forms H2732Y, H2929Y.
Identifiers: ClinVar variation 4991512 (VCV004991512.1).
Genomic context (GRCh38, chr21:46,435,937, plus strand): 5'-TCTCTGTCTTTTTTCTGTTAACAACAGCGAGAATTAGAACTGCAGCGTCAGCGTGACTTG[C>T]ATAAGATCAAGCAGCTTCAGCAGACAGTGAGAGACCTGGAGTCGAAGGACGAGGTGCCTG-3'
Protein context (NP_006022.3, residues 2919-2939): ELELQRQRDL[His2929Tyr]KIKQLQQTVR